The following is an entry in ClinVar:

NC_000019.9:g.(?_7587617)_(8373194_?)dup

Genes: MAP2K7 (mitogen-activated protein kinase kinase 7; plus strand), MCEMP1 (mast cell expressed membrane protein 1; plus strand), MCOLN1 (mucolipin TRP cation channel 1; plus strand), PCP2 (Purkinje cell protein 2; minus strand), PET100 (PET100 cytochrome c oxidase chaperone; plus strand) and 21 more. Cytogenetic location: 19p13.2.
Variant type: Duplication.
Identifiers: ClinVar variation 831037 (VCV000831037.1).

ClinVar aggregate classification (germline): Uncertain significance (1 of 4 stars; one submission).

Conditions:
Familial hemophagocytic lymphohistiocytosis 5. Also called: STXBP2-Related Familial Hemophagocytic Lymphohistiocytosis (STXBP2-fHLH). Identifiers: Orphanet 540, MedGen C2751293, MONDO:0013135, OMIM 613101.

Submission:

Labcorp Genetics (formerly Invitae), Labcorp
Classification: Uncertain significance for Hemophagocytic lymphohistiocytosis, familial, 5. Last evaluated: 2019-10-04. Review status: criteria provided, single submitter. Criteria: Invitae Variant Classification Sherloc (09022015). Collection method: clinical testing. Allele origin: germline.
Comment: This variant results in a copy number gain of the genomic region encompassing the full coding sequence of the STXBP2 gene. The boundaries of this event are unknown as they extend beyond the assayed region for this gene and therefore may encompass additional genes. As the precise location of this event is unknown, it may be in tandem or it may be located elsewhere in the genome. This variant has not been reported in the literature in individuals with STXBP2-related conditions. In summary, the available evidence is currently insufficient to determine the role of this variant in disease. Therefore, it has been classified as a Variant of Uncertain Significance.